The following is an entry in ClinVar:

NM_213653.4(HJV):c.657+2T>A

Gene: HJV (hemojuvelin BMP co-receptor; minus strand). Cytogenetic location: 1q21.1.
Variant type: single nucleotide variant.
Coding change: c.657+2T>A on transcript NM_213653.4 (MANE Select); the canonical splice donor site of the intron after coding-DNA position 657, T replaced by A.
Molecular consequence: splice donor variant. On other transcripts: intron variant (3).
Genome position (GRCh38, 1-based): chr1:146,019,173, A>T on the plus strand (T>A on the coding strand, the complement: HJV is on the minus strand). VCF-style: chr1-146019173-A-T. GRCh37 (hg19) VCF-style: chr1-145415840-T-A.
Other names: c.-21-473T>A (NM_213652.4, NM_202004.4, NM_001316767.2); c.318+2T>A (NM_145277.5); c.657+2T>A (NM_001379352.1).
Identifiers: ClinVar variation 1698681 (VCV001698681.1), dbSNP rs2101984042, ClinGen allele CA342138460.

ClinVar aggregate classification (germline): Likely pathogenic (1 of 4 stars; one submission).

Conditions:
Hemochromatosis type 2A (HFE2A). Also called: Adult-Onset Hemochromatosis; HJV (HFE2)-Related Juvenile Hemochromatosis. Identifiers: Orphanet 79230, MedGen C1865614, MONDO:0011216, OMIM 602390.

Submission:

Women's Health and Genetics/Laboratory Corporation of America, LabCorp
Classification: Likely pathogenic for Hemochromatosis type 2A. Last evaluated: 2022-06-02. Review status: criteria provided, single submitter. Criteria: LabCorp Variant Classification Summary - May 2015. Collection method: clinical testing. Allele origin: germline.
Comment: Variant summary: HJV c.657+2T>A is located in a canonical splice-site and is predicted to affect mRNA splicing resulting in a significantly altered protein due to either exon skipping, shortening, or inclusion of intronic material. Several computational tools predict a significant impact on normal splicing: Three predict the variant abolishes a 5' splicing donor site. However, these predictions have yet to be confirmed by functional studies. The variant was absent in 248078 control chromosomes (gnomAD). To our knowledge, no occurrence of c.657+2T>A in individuals affected with Hemochromatosis Type 2A and no experimental evidence demonstrating its impact on protein function have been reported. No clinical diagnostic laboratories have submitted clinical-significance assessments for this variant to ClinVar after 2014. However truncation mutations are associated with Hemochromatosis in HGMD. Based on the evidence outlined above, the variant was classified as likely pathogenic.